The following is an entry in ClinVar:

ClinVar aggregate classification (germline): Uncertain significance. Review status: criteria provided, multiple submitters, no conflicts (2 of 4 stars). 2 submissions from 2 submitters: Uncertain significance (2). Last evaluated 2023-07-20.

Conditions:
Hereditary cancer-predisposing syndrome. Also called: Hereditary neoplastic syndrome; Neoplastic Syndromes, Hereditary; Tumor predisposition; Hereditary Cancer Syndrome. Identifiers: Orphanet 140162, MedGen C0027672, MeSH D009386, MONDO:0015356.
Birt-Hogg-Dube syndrome. Also called: Birt Hogg Dubé syndrome. Identifiers: Orphanet 122, MedGen C0346010, MONDO:0800444.

Submissions (2):

Ambry Genetics
Classification: Uncertain significance for Hereditary cancer-predisposing syndrome. Last evaluated: 2023-07-20. Review status: criteria provided, single submitter. Criteria: Ambry Variant Classification Scheme 2023. Collection method: clinical testing. Allele origin: germline.
Comment: The p.L460P variant (also known as c.1379T>C), located in coding exon 9 of the FLCN gene, results from a T to C substitution at nucleotide position 1379. The leucine at codon 460 is replaced by proline, an amino acid with similar properties. This amino acid position is conserved. In addition, this alteration is predicted to be deleterious by in silico analysis. Since supporting evidence is limited at this time, the clinical significance of this alteration remains unclear.

Labcorp Genetics (formerly Invitae), Labcorp
Classification: Uncertain significance for Birt-Hogg-Dube syndrome. Last evaluated: 2021-03-17. Review status: criteria provided, single submitter. Criteria: Invitae Variant Classification Sherloc (09022015). Collection method: clinical testing. Allele origin: germline.
Comment: In summary, this variant is a novel missense change with uncertain impact on protein function. It has been classified as a Variant of Uncertain Significance. Algorithms developed to predict the effect of missense changes on protein structure and function do not agree on the potential impact of this missense change (SIFT: "Deleterious"; PolyPhen-2: "Possibly Damaging"; Align-GVGD: "Class C0"). This variant is not present in population databases (ExAC no frequency) and has not been reported in the literature in individuals with a FLCN-related disease. This sequence change replaces leucine with proline at codon 460 of the FLCN protein (p.Leu460Pro). The leucine residue is moderately conserved and there is a moderate physicochemical difference between leucine and proline.

NM_144997.7(FLCN):c.1379T>C (p.Leu460Pro)

Gene: FLCN (folliculin; minus strand). Cytogenetic location: 17p11.2.
Variant type: single nucleotide variant.
Coding change: c.1379T>C on transcript NM_144997.7 (MANE Select); coding-DNA position 1379, T replaced by C.
Protein change: p.Leu460Pro; replaces leucine 460 with proline.
Molecular consequence: missense variant.
Genome position (GRCh38, 1-based): chr17:17,215,238, A>G on the plus strand (T>C on the coding strand, the complement: FLCN is on the minus strand). VCF-style: chr17-17215238-A-G. GRCh37 (hg19) VCF-style: chr17-17118552-A-G.
Other names: c.1379T>C (LRG_325t1); c.1433T>C, p.Leu478Pro (NM_001353229.2); c.1379T>C, p.Leu460Pro (NM_001353230.2, NM_001353231.2); short protein forms L460P, L478P.
Identifiers: ClinVar variation 460593 (VCV000460593.7), dbSNP rs112196863, ClinGen allele CA288305654.
Genomic context (GRCh38, chr17:17,215,238, plus strand): 5'-CACCCACCTCGGTCTGCAGCTACAGGGCTCCCACTGGTCACCACAAACTCGTACTTGCTG[A>G]GAGACTGGTCATCCTCACACCCCACAGGGTGGAGGGTGGAACGTGCGGCTGCGTGGACCT-3'
Protein context (NP_659434.2, residues 450-470): HPVGCEDDQS[Leu460Pro]SKYEFVVTSG